The following is an entry in ClinVar:

ClinVar aggregate classification (germline): Uncertain significance (1 of 4 stars; one submission).

Conditions:
CPE-related disorder. Also called: CPE-related condition.

gnomAD v4.1: 12 of 1,531,008 alleles (0.00078%); highest among the groups gnomAD compares: Non-Finnish European, 0.0011%; no homozygotes.

Submission:

PreventionGenetics, part of Exact Sciences
Classification: Uncertain significance for CPE-related condition. Last evaluated: 2025-08-12. Review status: criteria provided, single submitter. Criteria: ACMG Guidelines, 2015. Collection method: clinical testing. Allele origin: germline.
Comment: The CPE c.1333G>A variant is predicted to result in the amino acid substitution p.Val445Ile. To our knowledge, this variant has not been reported in the literature or in a large population database (gnomAD), indicating this variant is rare. At this time, the clinical significance of this variant is uncertain due to the absence of conclusive functional and genetic evidence.

NM_001873.4(CPE):c.1333G>A (p.Val445Ile)

Gene: CPE (carboxypeptidase E; plus strand). Cytogenetic location: 4q32.3.
Variant type: single nucleotide variant.
Coding change: c.1333G>A on transcript NM_001873.4 (MANE Select); coding-DNA position 1333, G replaced by A.
Protein change: p.Val445Ile; replaces valine 445 with isoleucine.
Molecular consequence: missense variant.
Genome position (GRCh38, 1-based): chr4:165,497,512, G>A. VCF-style: chr4-165497512-G-A. GRCh37 (hg19) VCF-style: chr4-166418664-G-A.
Other names: short protein forms V445I.
Identifiers: ClinVar variation 4985298 (VCV004985298.1).